The following is an entry in ClinVar:

NM_000548.5(TSC2):c.1557C>T (p.Cys519=)

Gene: TSC2 (TSC complex subunit 2; plus strand). Cytogenetic location: 16p13.3.
Variant type: single nucleotide variant.
Coding change: c.1557C>T on transcript NM_000548.5 (MANE Select); coding-DNA position 1557, C replaced by T.
Protein change: p.Cys519=; no amino-acid change (cysteine 519 retained).
Molecular consequence: synonymous variant. On other transcripts: 5 prime UTR variant (1), non-coding transcript variant (5).
Genome position (GRCh38, 1-based): chr16:2,064,385, C>T. VCF-style: chr16-2064385-C-T. GRCh37 (hg19) VCF-style: chr16-2114386-C-T.
Other names: c.1557C>T, p.Cys519= (NM_001077183.3, NM_001114382.3, NM_001363528.2 and 6 more transcripts); c.1446C>T, p.Cys482= (NM_001318827.2, NM_001406670.1, NM_001406678.1); c.1410C>T, p.Cys470= (NM_001318829.2, NM_001406675.1, NM_001406676.1 and 1 more transcripts); c.957C>T, p.Cys319= (NM_001318831.2, NM_001406680.1, NM_001406682.1 and 6 more transcripts); c.1590C>T, p.Cys530= (NM_001318832.2); c.1647C>T, p.Cys549= (NM_001406667.1, NM_001406668.1); c.1545C>T, p.Cys515= (NM_001406671.1, NM_001406673.1); c.1500C>T, p.Cys500= (NM_001406677.1); and 3 more.
Identifiers: ClinVar variation 3071821 (VCV003071821.2), dbSNP rs2548571987, ClinGen allele CA492963065.

ClinVar aggregate classification (germline): Likely benign. Review status: criteria provided, multiple submitters, no conflicts (2 of 4 stars). 2 submissions from 2 submitters: Likely benign (2). Last evaluated 2026-02-10.

Conditions:
Hereditary cancer-predisposing syndrome. Also called: Neoplastic Syndromes, Hereditary; Tumor predisposition; Hereditary Cancer Syndrome; Hereditary neoplastic syndrome. Identifiers: Orphanet 140162, MedGen C0027672, MeSH D009386, MONDO:0015356.
Tuberous sclerosis syndrome (TSC). Also called: Tuberous Sclerosis Complex; Tuberous sclerosis. Identifiers: Orphanet 805, MedGen C0041341, MONDO:0001734.

Allele frequency attached by ClinVar (database versions not stated): gnomAD exomes below 0.00001.
gnomAD v4.1: 2 of 1,613,722 alleles (0.00012%); highest among the groups gnomAD compares: Admixed American, 0.0017%; no homozygotes.

Submissions (2):

Ambry Genetics
Classification: Likely benign for Hereditary cancer-predisposing syndrome. Last evaluated: 2026-02-10. Review status: criteria provided, single submitter. Criteria: Ambry Variant Classification Scheme 2023. Collection method: clinical testing. Allele origin: germline.

All of Us Research Program, National Institutes of Health
Classification: Likely benign for Tuberous sclerosis syndrome. Last evaluated: 2023-06-26. Review status: criteria provided, single submitter. Criteria: ACMG Guidelines, 2015. Collection method: clinical testing. Allele origin: germline. Inheritance: Autosomal dominant inheritance. Observed: 1 variant allele, 1 heterozygote.
Comment: This study involves interpretation of variants in research participants for the purpose of population health screening. Participant phenotype was not available at the time of variant classification. Additional details can be found in publication PMID: 35346344, PMCID: PMC8962531